The following is an entry in ClinVar:

NM_000890.5(KCNJ5):c.373G>T (p.Glu125Ter)

Gene: KCNJ5 (potassium inwardly rectifying channel subfamily J member 5; plus strand). Cytogenetic location: 11q24.3.
Variant type: single nucleotide variant.
Coding change: c.373G>T on transcript NM_000890.5 (MANE Select); coding-DNA position 373, G replaced by T.
Protein change: p.Glu125Ter; replaces glutamic acid 125 with a stop codon.
Molecular consequence: nonsense.
Genome position (GRCh38, 1-based): chr11:128,911,646, G>T. VCF-style: chr11-128911646-G-T. GRCh37 (hg19) VCF-style: chr11-128781541-G-T.
Other names: c.373G>T, p.Glu125Ter (NM_001354169.2); short protein forms E125*.
Identifiers: ClinVar variation 4614383 (VCV004614383.1).

ClinVar aggregate classification (germline): Uncertain significance (1 of 4 stars; one submission).

Conditions:
Cardiovascular phenotype. Identifiers: MedGen CN230736.

Submission:

Ambry Genetics
Classification: Uncertain significance for Cardiovascular phenotype. Last evaluated: 2025-10-28. Review status: criteria provided, single submitter. Criteria: Ambry Variant Classification Scheme 2023. Collection method: clinical testing. Allele origin: germline.
Comment: The p.E125* variant (also known as c.373G>T), located in coding exon 1 of the KCNJ5 gene, results from a G to T substitution at nucleotide position 373. This changes the amino acid from a glutamic acid to a stop codon within coding exon 1. This alteration is expected to result in protein truncation or nonsense-mediated mRNA decay. However, loss of function has not been established as a mechanism of disease. Based on the available evidence, the clinical significance of this alteration remains unclear.